The following is an entry in ClinVar:

NM_001048174.2(MUTYH):c.206G>A (p.Arg69Gln)

Gene: MUTYH (mutY DNA glycosylase; minus strand). Cytogenetic location: 1p34.1.
Variant type: single nucleotide variant.
Coding change: c.206G>A on transcript NM_001048174.2 (MANE Select); coding-DNA position 206, G replaced by A.
Protein change: p.Arg69Gln; replaces arginine 69 with glutamine.
Molecular consequence: missense variant. On other transcripts: 5 prime UTR variant (4), non-coding transcript variant (2).
Genome position (GRCh38, 1-based): chr1:45,333,471, C>T on the plus strand (G>A on the coding strand, the complement: MUTYH is on the minus strand). VCF-style: chr1-45333471-C-T. GRCh37 (hg19) VCF-style: chr1-45799143-C-T.
Other names: c.206G>A, p.Arg69Gln (NM_001048171.2, NM_001048173.2, NM_001293195.2); c.209G>A, p.Arg70Gln (NM_001048172.2); c.290G>A, p.Arg97Gln (NM_001128425.2); c.251G>A, p.Arg84Gln (NM_001293190.2); c.239G>A, p.Arg80Gln (NM_001293191.2); c.-71G>A (NM_001293192.2, NM_001293196.2); c.-66G>A (NM_001350650.2, NM_001350651.2); c.281G>A, p.Arg94Gln (NM_012222.3); short protein forms R97Q, R84Q, R70Q, R69Q, R94Q, R80Q.
Identifiers: ClinVar variation 185512 (VCV000185512.44), dbSNP rs755653922, ClinGen allele CA013305.
Genomic context (GRCh38, chr1:45,333,471, plus strand): 5'-ACCCGTCTTCTCCATGGTAGGTCCCGTTTCTCTTGGTCGTACCAGCTTAGCAGGCTCCCT[C>T]GGAAGGCTGTGACTTCAGCTACGTCTCTGAATAGATGGTATGAGGAGACAGAGGCCTGCA-3'
Protein context (NP_001041639.1, residues 59-79): FRDVAEVTAF[Arg69Gln]GSLLSWYDQE

ClinVar aggregate classification (germline): Conflicting classifications of pathogenicity. Review status: criteria provided, conflicting classifications (1 of 4 stars). 12 submissions from 12 submitters: Uncertain significance (10); Likely benign (1). 1 of the submissions does not count toward it. Last evaluated 2026-01-19.

Conditions:
Hereditary cancer-predisposing syndrome. Also called: Neoplastic Syndromes, Hereditary; Tumor predisposition; Hereditary Cancer Syndrome; Hereditary neoplastic syndrome. Identifiers: Orphanet 140162, MedGen C0027672, MeSH D009386, MONDO:0015356.
Carcinoma of colon (CRC). Also called: Colonic carcinoma; Colon carcinoma. Identifiers: MedGen C0699790, MONDO:0002032.
Familial adenomatous polyposis 2. Also called: Adenomas, multiple colorectal; COLORECTAL ADENOMATOUS POLYPOSIS, AUTOSOMAL RECESSIVE; ADENOMAS, MULTIPLE COLORECTAL, AUTOSOMAL RECESSIVE; MYH-associated polyposis; MUTYH Polyposis; FAP type 2. Identifiers: Orphanet 220460, Orphanet 247798, MedGen C3272841, MONDO:0012041, OMIM 608456.
Familial cancer of breast. Also called: BREAST CANCER, FAMILIAL; Hereditary breast cancer; hereditary breast carcinoma. Identifiers: Orphanet 227535, MedGen C0346153, MONDO:0016419, OMIM 114480. Disease mechanism: loss of function.

Allele frequency attached by ClinVar (database versions not stated): ExAC 0.00001; gnomAD exomes 0.00001 and 0.00002; TOPMed 0.00001.
gnomAD v4.1: 39 of 1,614,218 alleles (0.0024%); highest among the groups gnomAD compares: Middle Eastern, 0.049%; no homozygotes.

Submissions 1 to 8 of 12:

Labcorp Genetics (formerly Invitae), Labcorp
Classification: Likely benign for Familial adenomatous polyposis 2. Last evaluated: 2026-01-19. Review status: criteria provided, single submitter. Criteria: Invitae Variant Classification Sherloc (09022015). Collection method: clinical testing. Allele origin: germline.

Ambry Genetics
Classification: Uncertain significance for Hereditary cancer-predisposing syndrome. Last evaluated: 2025-04-21. Review status: criteria provided, single submitter. Criteria: Ambry Variant Classification Scheme 2023. Collection method: clinical testing. Allele origin: germline.
Comment: The p.R97Q variant (also known as c.290G>A), located in coding exon 3 of the MUTYH gene, results from a G to A substitution at nucleotide position 290. The arginine at codon 97 is replaced by glutamine, an amino acid with highly similar properties. This alteration has been detected in conjunction with a MUTYH founder mutation (phase unknown) in a patient diagnosed with early-onset colon cancer and bilateral breast cancer, as well as a family history of breast, colon, and uterine cancer, who had previously tested negative for mutations in BRCA1/2 by sequencing (Maxwell KN et al. Genet Med. 2015 Aug;17(8):630-8). Of note, this alteration is also known as p.R94Q in published literature. This amino acid position is well conserved in available vertebrate species. In addition, the in silico prediction for this alteration is inconclusive. Based on the available evidence, the clinical significance of this variant remains unclear.

Center for Genomic Medicine, Rigshospitalet, Copenhagen University Hospital
Classification: Uncertain significance. Last evaluated: 2025-03-04. Review status: criteria provided, single submitter. Criteria: ACMG Guidelines, 2015. Collection method: clinical testing. Allele origin: germline.

All of Us Research Program, National Institutes of Health
Classification: Uncertain significance for Familial adenomatous polyposis 2. Last evaluated: 2024-07-29. Review status: criteria provided, single submitter. Criteria: ACMG Guidelines, 2015. Collection method: clinical testing. Allele origin: germline. Inheritance: Autosomal recessive inheritance. Observed: 5 variant alleles, 5 heterozygotes.
Comment: This missense variant replaces arginine with glutamine at codon 97 of the MUTYH protein. Computational prediction is inconclusive regarding the impact of this variant on protein structure and function (internally defined REVEL score threshold 0.5 < inconclusive < 0.7, PMID: 27666373). To our knowledge, functional studies have not been reported for this variant. This variant has been reported in an individual affected with breast cancer before the age of 50 (PMID: 25186627), an individual affected with early-onset colon cancer and early-onset breast cancer who also carried a second known pathogenic variant in MUTYH (PMID: 25503501), and an individual affected with colorectal neoplasia (PMID: 27829682). This variant has been identified in 3/251486 chromosomes in the general population by the Genome Aggregation Database (gnomAD). The available evidence is insufficient to determine the role of this variant in disease conclusively. Therefore, this variant is classified as a Variant of Uncertain Significance.

This study involves interpretation of variants in research participants for the purpose of population health screening. Participant phenotype was not available at the time of variant classification. Additional details can be found in publication PMID: 35346344, PMCID: PMC8962531

GeneDx
Classification: Uncertain significance. Last evaluated: 2024-07-03. Review status: criteria provided, single submitter. Criteria: GeneDx Variant Classification Process June 2021. Collection method: clinical testing. Allele origin: germline. Affected: yes.
Comment: Not observed at significant frequency in large population cohorts (gnomAD); In silico analysis supports that this missense variant has a deleterious effect on protein structure/function; Observed in individuals with breast cancer, colon cancer, and/or colon polyps, as well as unaffected controls (PMID: 25503501, 25186627, 27829682, 33471991, 34250417, 38254803); Also known as R94Q; This variant is associated with the following publications: (PMID: 27829682, 25503501, 25186627, 34426522, 36243179, 25307848, 33471991, 38254803, 34250417)

Baylor Genetics
Classification: Uncertain significance for Familial adenomatous polyposis 2. Last evaluated: 2024-02-19. Review status: criteria provided, single submitter. Criteria: ACMG Guidelines, 2015. Collection method: clinical testing. Allele origin: unknown.

Women's Health and Genetics/Laboratory Corporation of America, LabCorp
Classification: Uncertain significance. Last evaluated: 2023-09-11. Review status: criteria provided, single submitter. Criteria: LabCorp Variant Classification Summary - May 2015. Collection method: clinical testing. Allele origin: germline.
Comment: Variant summary: MUTYH c.290G>A (p.Arg97Gln) results in a conservative amino acid change in the encoded protein sequence. Three of five in-silico tools predict a benign effect of the variant on protein function. The variant allele was found at a frequency of 1.2e-05 in 251486 control chromosomes (gnomAD). The available data on variant occurrences in the general population are insufficient to allow any conclusion about variant significance. c.290G>A has been reported in the literature in individuals affected with breast or colorectal cancer as well as unaffected controls (Maxwell_2014, Ricci_2016, Tung_2014, Dorling_2021, Pearlman_2021). These reports do not provide unequivocal conclusions about association of the variant with MUTYH-Associated Polyposis. To our knowledge, no experimental evidence demonstrating an impact on protein function has been reported. The following publications have been ascertained in the context of this evaluation (PMID: 25503501, 25186627, 27829682, 33471991, 34250417). Seven submitters have cited clinical-significance assessments for this variant to ClinVar after 2014, and classified it as uncertain significance (n=6) or likely benign (n=1). Based on the evidence outlined above, the variant was classified as uncertain significance.

Color Diagnostics, LLC DBA Color Health
Classification: Uncertain significance for Hereditary cancer-predisposing syndrome. Last evaluated: 2023-07-20. Review status: criteria provided, single submitter. Criteria: ACMG Guidelines, 2015. Collection method: clinical testing. Allele origin: germline.
Comment: This missense variant replaces arginine with glutamine at codon 97 of the MUTYH protein. Computational prediction is inconclusive regarding the impact of this variant on protein structure and function (internally defined REVEL score threshold 0.5 < inconclusive < 0.7, PMID: 27666373). To our knowledge, functional studies have not been reported for this variant. This variant has been reported in an individual affected with breast cancer before the age of 50 (PMID: 25186627), an individual affected with early-onset colon cancer and early-onset breast cancer who also carried a second known pathogenic variant in MUTYH (PMID: 25503501), and an individual affected with colorectal neoplasia (PMID: 27829682). This variant has been identified in 3/251486 chromosomes in the general population by the Genome Aggregation Database (gnomAD). The available evidence is insufficient to determine the role of this variant in disease conclusively. Therefore, this variant is classified as a Variant of Uncertain Significance.